The following is an entry in ClinVar:

ClinVar aggregate classification (germline): Benign. Review status: criteria provided, multiple submitters, no conflicts (2 of 4 stars). 3 submissions from 3 submitters: Benign (2). 1 of the submissions does not count toward it. Last evaluated 2019-03-14.

Conditions:
DNHD1-related disorder. Also called: DNHD1-related condition.

Allele frequency attached by ClinVar (database versions not stated): 1000 Genomes Project 0.21346; 1000 Genomes Project 30x 0.21408; TOPMed 0.26143; gnomAD 0.26445 and 0.26633; ExAC 0.27370; ESP Exome Variant Server 0.27661; gnomAD exomes 0.28487.
gnomAD v4.1: 467,093 of 1,550,644 alleles (30%); highest among the groups gnomAD compares: Admixed American, 33%; 72,984 homozygotes.

Submissions (3):

GeneDx
Classification: Benign. Last evaluated: 2019-03-14. Review status: criteria provided, single submitter. Criteria: GeneDx Variant Classification Process June 2021. Collection method: clinical testing. Allele origin: germline. Affected: yes.

Breakthrough Genomics
Classification: Benign. Review status: criteria provided, single submitter. Criteria: ACMG Guidelines, 2015. Collection method: not provided. Allele origin: germline. Inheritance: Autosomal recessive inheritance. Affected: yes.

PreventionGenetics, part of Exact Sciences
Classification: Benign for DNHD1-related condition. Last evaluated: 2019-10-21. Review status: no assertion criteria provided. Collection method: clinical testing. Allele origin: germline. Not counted in ClinVar's aggregate classification.
Comment: This variant is classified as benign based on ACMG/AMP sequence variant interpretation guidelines (Richards et al. 2015 PMID: 25741868, with internal and published modifications).

NM_144666.3(DNHD1):c.2536C>A (p.Leu846Met)

Gene: DNHD1 (dynein heavy chain domain 1; plus strand). Cytogenetic location: 11p15.4.
Variant type: single nucleotide variant.
Coding change: c.2536C>A on transcript NM_144666.3 (MANE Select); coding-DNA position 2536, C replaced by A.
Protein change: p.Leu846Met; replaces leucine 846 with methionine.
Molecular consequence: missense variant.
Genome position (GRCh38, 1-based): chr11:6,533,711, C>A. VCF-style: chr11-6533711-C-A. GRCh37 (hg19) VCF-style: chr11-6554941-C-A.
Other names: short protein forms L846M.
Identifiers: ClinVar variation 1244174 (VCV001244174.5), dbSNP rs4282961, ClinGen allele CA5855804.
Genomic context (GRCh38, chr11:6,533,711, plus strand): 5'-GCTGCCGGTCTCATGCTGTAATTCCTGCAGTTGAATGAAGCCAATGAACAGTACGTCGAG[C>A]TGGAGGAGCGAATGGAATACGTACGGGCACTCCACGAACTCATCCGCAACCACTTTAGCC-3'
Protein context (NP_653267.2, residues 836-856): LNEANEQYVE[Leu846Met]EERMEYVRAL